The following is an entry in ClinVar:

NM_000350.3(ABCA4):c.5329A>G (p.Met1777Val)

Gene: ABCA4 (ATP binding cassette subfamily A member 4; minus strand). Cytogenetic location: 1p22.1.
Variant type: single nucleotide variant.
Coding change: c.5329A>G on transcript NM_000350.3 (MANE Select); coding-DNA position 5329, A replaced by G.
Protein change: p.Met1777Val; replaces methionine 1777 with valine.
Molecular consequence: missense variant.
Genome position (GRCh38, 1-based): chr1:94,014,674, T>C on the plus strand (A>G on the coding strand, the complement: ABCA4 is on the minus strand). VCF-style: chr1-94014674-T-C. GRCh37 (hg19) VCF-style: chr1-94480230-T-C.
Other names: c.5107A>G, p.Met1703Val (NM_001425324.1); short protein forms M1703V, M1777V.
Identifiers: ClinVar variation 3544463 (VCV003544463.1).

ClinVar aggregate classification (germline): Conflicting classifications of pathogenicity. Review status: criteria provided, conflicting classifications (1 of 4 stars). 2 submissions from 1 submitter: Likely pathogenic (1); Uncertain significance (1). Last evaluated 2024-10-01.

Conditions:
Cone dystrophy and rod monochromatism.
Stargardt disease (FFM). Also called: Stargardt's disease; Fundus flavimaculatus. Identifiers: Orphanet 827, MedGen C0271093, MONDO:0019353.

Submissions (2):

Lab De Baere, Eye and Developmental Genetics Lab, Ghent University
Classification: Uncertain significance for Cone dystrophy and rod monochromatism. Last evaluated: 2024-10-01. Review status: criteria provided, single submitter. Criteria: ACMG Guidelines, 2015. Collection method: research. Allele origin: inherited. Affected: yes. Observed: 1 variant allele.
Comment: ACMG/AMP guidelines: PM2, PP3, PM3_1

Lab De Baere, Eye and Developmental Genetics Lab, Ghent University
Classification: Likely pathogenic for Stargardt disease. Last evaluated: 2024-10-01. Review status: criteria provided, single submitter. Criteria: ACMG Guidelines, 2015. Collection method: research. Allele origin: inherited. Affected: yes. Observed: 1 variant allele.
Comment: ACMG/AMP guidelines: PM2, PP3, PM3_PS